The following is an entry in ClinVar:

ClinVar aggregate classification (germline): Uncertain significance. Review status: criteria provided, multiple submitters, no conflicts (2 of 4 stars). 2 submissions from 2 submitters: Uncertain significance (2). Last evaluated 2025-06-30.

Conditions:
Inborn genetic diseases. Identifiers: MedGen C0950123, MeSH D030342.

Allele frequency attached by ClinVar (database versions not stated): gnomAD exomes below 0.00001; ExAC 0.00001; gnomAD 0.00001; TOPMed 0.00002.

Submissions (2):

Ambry Genetics
Classification: Uncertain significance for Inborn genetic diseases. Last evaluated: 2025-06-30. Review status: criteria provided, single submitter. Criteria: Ambry Variant Classification Scheme 2023. Collection method: clinical testing. Allele origin: germline.

Labcorp Genetics (formerly Invitae), Labcorp
Classification: Uncertain significance. Last evaluated: 2024-06-17. Review status: criteria provided, single submitter. Criteria: Invitae Variant Classification Sherloc (09022015). Collection method: clinical testing. Allele origin: germline.
Comment: This sequence change replaces asparagine, which is neutral and polar, with lysine, which is basic and polar, at codon 454 of the ADAMTS10 protein (p.Asn454Lys). This variant is present in population databases (rs782103997, gnomAD 0.007%). This variant has not been reported in the literature in individuals affected with ADAMTS10-related conditions. ClinVar contains an entry for this variant (Variation ID: 1955171). An algorithm developed to predict the effect of missense changes on protein structure and function (PolyPhen-2) suggests that this variant is likely to be disruptive. In summary, the available evidence is currently insufficient to determine the role of this variant in disease. Therefore, it has been classified as a Variant of Uncertain Significance.

NM_030957.4(ADAMTS10):c.1362C>A (p.Asn454Lys)

Gene: ADAMTS10 (ADAM metallopeptidase with thrombospondin type 1 motif 10; minus strand). Cytogenetic location: 19p13.2.
Variant type: single nucleotide variant.
Coding change: c.1362C>A on transcript NM_030957.4 (MANE Select); coding-DNA position 1362, C replaced by A.
Protein change: p.Asn454Lys; replaces asparagine 454 with lysine.
Molecular consequence: missense variant.
Genome position (GRCh38, 1-based): chr19:8,595,879, G>T on the plus strand (C>A on the coding strand, the complement: ADAMTS10 is on the minus strand). VCF-style: chr19-8595879-G-T. GRCh37 (hg19) VCF-style: chr19-8660763-G-T.
Other names: c.1362C>A (NM_030957.2); short protein forms N454K.
Identifiers: ClinVar variation 1955171 (VCV001955171.4), dbSNP rs782103997, ClinGen allele CA9160536.